The following is an entry in ClinVar:

ClinVar aggregate classification (germline): Uncertain significance (1 of 4 stars; one submission).

Conditions:
Hereditary cancer-predisposing syndrome. Also called: Neoplastic Syndromes, Hereditary; Tumor predisposition; Hereditary Cancer Syndrome; Hereditary neoplastic syndrome. Identifiers: Orphanet 140162, MedGen C0027672, MeSH D009386, MONDO:0015356.

Allele frequency attached by ClinVar (database versions not stated): TOPMed below 0.00001.

Submission:

Ambry Genetics
Classification: Uncertain significance for Hereditary cancer-predisposing syndrome. Last evaluated: 2025-02-03. Review status: criteria provided, single submitter. Criteria: Ambry Variant Classification Scheme 2023. Collection method: clinical testing. Allele origin: germline.
Comment: The p.F664V variant (also known as c.1990T>G), located in coding exon 13 of the BRIP1 gene, results from a T to G substitution at nucleotide position 1990. The phenylalanine at codon 664 is replaced by valine, an amino acid with highly similar properties. This amino acid position is conserved. In addition, this alteration is predicted to be deleterious by in silico analysis. Since supporting evidence is limited at this time, the clinical significance of this alteration remains unclear.

NM_032043.3(BRIP1):c.1990T>G (p.Phe664Val)

Gene: BRIP1 (BRCA1 interacting DNA helicase 1; minus strand). Cytogenetic location: 17q23.2.
Variant type: single nucleotide variant.
Coding change: c.1990T>G on transcript NM_032043.3 (MANE Select); coding-DNA position 1990, T replaced by G.
Protein change: p.Phe664Val; replaces phenylalanine 664 with valine.
Molecular consequence: missense variant.
Genome position (GRCh38, 1-based): chr17:61,776,508, A>C on the plus strand (T>G on the coding strand, the complement: BRIP1 is on the minus strand). VCF-style: chr17-61776508-A-C. GRCh37 (hg19) VCF-style: chr17-59853869-A-C.
Other names: short protein forms F664V.
Identifiers: ClinVar variation 1783974 (VCV001783974.3), dbSNP rs2077535952, ClinGen allele CA400478443.